The following is an entry in ClinVar:

NM_002294.3(LAMP2):c.-123_11del (p.Val2fs)

Gene: LAMP2 (lysosome associated membrane protein 2; minus strand). Cytogenetic location: Xq24.
Variant type: Deletion.
Coding change: c.-123_11del on transcript NM_002294.3 (MANE Select); 123 bases upstream of the start codon through coding-DNA position 11, 134 bases deleted.
Protein change: p.Val2fs; shifts the reading frame from valine 2.
Molecular consequence: frameshift variant, initiator codon variant.
Genome position (GRCh38, 1-based): chrX:120,469,159-120,469,292, 134 bases deleted. GRCh37 (hg19): chrX:119,603,018-119,603,151.
Other names: c.-123_11del, p.Val2fs (NM_001122606.1, NM_013995.2); short protein forms V2fs.
Identifiers: ClinVar variation 3661203 (VCV003661203.2).

ClinVar aggregate classification (germline): Pathogenic (1 of 4 stars; one submission).

Conditions:
Danon disease. Also called: Glycogen Storage Disease Type IIb; ANTOPOL DISEASE; PSEUDOGLYCOGENOSIS II; GSD IIb; LYSOSOMAL GLYCOGEN STORAGE DISEASE WITHOUT ACID MALTASE DEFICIENCY. Identifiers: Orphanet 34587, MedGen C0878677, MONDO:0010281, OMIM 300257.

Submission:

Labcorp Genetics (formerly Invitae), Labcorp
Classification: Pathogenic for Danon disease. Last evaluated: 2024-10-26. Review status: criteria provided, single submitter. Criteria: Invitae Variant Classification Sherloc (09022015). Collection method: clinical testing. Allele origin: germline.
Comment: This sequence change affects the initiator methionine of the LAMP2 mRNA. The next in-frame methionine is located at codon 48. This variant is not present in population databases (gnomAD no frequency). Disruption of the initiator codon has been observed in individual(s) with Danon disease (PMID: 37288668). In at least one individual the variant was observed to be de novo. For these reasons, this variant has been classified as Pathogenic.

Literature cited by the submitters: PubMed 37288668.